The following is an entry in ClinVar:

NM_000232.5(SGCB):c.366_367del (p.Leu122_Tyr123insTer)

Gene: SGCB (sarcoglycan beta; minus strand). Cytogenetic location: 4q12.
Variant type: Deletion.
Coding change: c.366_367del on transcript NM_000232.5 (MANE Select); coding-DNA positions 366 to 367, 2 bases deleted (TT; older notation c.366_367delTT).
Protein change: p.Leu122_Tyr123insTer.
Molecular consequence: frameshift variant.
Genome position (GRCh38, 1-based): chr4:52,029,740-52,029,741, AA deleted on the plus strand (TT on the coding strand, the reverse complement: SGCB is on the minus strand); deleting any 2 consecutive bases within chr4:52,029,740-52,029,742 gives the same sequence; the c. name uses the placement nearest the transcript's 3' end. VCF-style (leftmost placement, unchanged base first): chr4-52029739-TAA-T. GRCh37 (hg19) VCF-style: chr4-52895905-TAA-T.
Other names: c.366_367del (NM_000232.4).
Identifiers: ClinVar variation 802073 (VCV000802073.11), dbSNP rs1578126090, ClinGen allele CA915943043.

ClinVar aggregate classification (germline): Pathogenic. Review status: criteria provided, multiple submitters, no conflicts (2 of 4 stars). 3 submissions from 3 submitters: Pathogenic (3). Last evaluated 2024-05-27.

Conditions:
Autosomal recessive limb-girdle muscular dystrophy type 2E (LGMDR4). Also called: MUSCULAR DYSTROPHY, LIMB-GIRDLE, AUTOSOMAL RECESSIVE 4. Identifiers: Orphanet 119, MedGen C1858593, MONDO:0011423, OMIM 604286. Disease mechanism: Affects gamma-sarcoglycan and also disrupts the integrity of the entire sarcoglycan complex..

Submissions (3):

Revvity Omics, Revvity
Classification: Pathogenic for Autosomal recessive limb-girdle muscular dystrophy type 2E. Last evaluated: 2024-05-27. Review status: criteria provided, single submitter. Criteria: ACMG Guidelines, 2015. Collection method: clinical testing. Allele origin: germline.

Labcorp Genetics (formerly Invitae), Labcorp
Classification: Pathogenic for Autosomal recessive limb-girdle muscular dystrophy type 2E. Last evaluated: 2021-12-22. Review status: criteria provided, single submitter. Criteria: Invitae Variant Classification Sherloc (09022015). Collection method: clinical testing. Allele origin: germline.
Comment: This premature translational stop signal has been observed in individual(s) with clinical features of limb-girdle muscular dystrophy (PMID: 30764848). In at least one individual the data is consistent with being in trans (on the opposite chromosome) from a pathogenic variant. ClinVar contains an entry for this variant (Variation ID: 802073). For these reasons, this variant has been classified as Pathogenic. This variant is not present in population databases (gnomAD no frequency). This sequence change creates a premature translational stop signal (p.Tyr123*) in the SGCB gene. It is expected to result in an absent or disrupted protein product. Loss-of-function variants in SGCB are known to be pathogenic (PMID: 15938573, 18285821).

Mendelics
Classification: Pathogenic for Autosomal recessive limb-girdle muscular dystrophy type 2E. Last evaluated: 2019-05-28. Review status: criteria provided, single submitter. Criteria: Mendelics Assertion Criteria 2017. Collection method: clinical testing. Allele origin: unknown.

Literature cited by the submitters: PubMed 30764848 (cited by Labcorp Genetics (formerly Invitae), Labcorp); PubMed 15938573 (cited by Labcorp Genetics (formerly Invitae), Labcorp); PubMed 18285821 (cited by Labcorp Genetics (formerly Invitae), Labcorp).